The following is an entry in ClinVar:

ClinVar aggregate classification (germline): Likely benign (0 of 4 stars; one submission).

Conditions:
MYOF-related disorder. Also called: MYOF-related condition.

gnomAD v4.1: 13,648 of 1,612,714 alleles (0.85%); highest among the groups gnomAD compares: African/African-American, 16%; 1,062 homozygotes.

Submission:

PreventionGenetics, part of Exact Sciences
Classification: Likely benign for MYOF-related condition. Last evaluated: 2024-07-03. Review status: no assertion criteria provided. Collection method: clinical testing. Allele origin: germline.
Comment: This variant is classified as likely benign based on ACMG/AMP sequence variant interpretation guidelines (Richards et al. 2015 PMID: 25741868, with internal and published modifications).

NM_013451.4(MYOF):c.5456+3A>G

Gene: MYOF (myoferlin; minus strand). Cytogenetic location: 10q23.33.
Variant type: single nucleotide variant.
Coding change: c.5456+3A>G on transcript NM_013451.4 (MANE Select); 3 bases into the intron after coding-DNA position 5456, A replaced by G.
Molecular consequence: intron variant.
Genome position (GRCh38, 1-based): chr10:93,323,075, T>C on the plus strand (A>G on the coding strand, the complement: MYOF is on the minus strand). VCF-style: chr10-93323075-T-C. GRCh37 (hg19) VCF-style: chr10-95082832-T-C.
Other names: c.5417+3A>G (NM_133337.3).
Identifiers: ClinVar variation 3345930 (VCV003345930.1).